The following is an entry in ClinVar:

ClinVar aggregate classification (germline): Pathogenic. Review status: reviewed by expert panel (3 of 4 stars). 9 submissions from 9 submitters: Pathogenic (1). 8 of the submissions do not count toward it. Last evaluated 2017-03-17.

Conditions:
CFTR-related disorder (CFTR-RD). Also called: CFTR-related condition; CFTR-related disorders. Identifiers: MedGen C5924204, MONDO:7770004.
Cystic fibrosis (CF). Also called: MUCOVISCIDOSIS. Identifiers: Orphanet 586, MedGen C0010674, MONDO:0009061, OMIM 219700. Disease mechanism: loss of function.
Bronchiectasis with or without elevated sweat chloride 1 (BESC1). Also called: Cystic Fibrosis-Like Syndrome. Identifiers: Orphanet 60033, MedGen C2749757, MONDO:0008887, OMIM 211400.

gnomAD v4.1: 14 of 1,554,866 alleles (0.0009%); highest among the groups gnomAD compares: Non-Finnish European, 0.0012%; no homozygotes.

Submissions (9):

CFTR2
Classification: Pathogenic for Cystic fibrosis. Last evaluated: 2017-03-17. Review status: reviewed by expert panel. Criteria: Sosnay PR et al. (Nat Genet 2013). Collection method: research. Allele origin: germline. Affected: yes. Study: CFTR2.

Natera, Inc.
Classification: Likely pathogenic for CFTR-related disorders. Last evaluated: 2025-12-18. Review status: criteria provided, single submitter. Criteria: Natera Variant Classification Schema (03/2026). Collection method: clinical testing. Allele origin: germline. Not counted in ClinVar's aggregate classification.
Comment: The c.1679G>A variant in CFTR is a missense variant predicted to cause substitution of arginine to lysine at amino acid 560. This variant is rare in the general population with a frequency below the threshold expected for the associated phenotype(s). This variant has been observed in one or more individuals affected with the associated recessive disease, as either homozygous or compound heterozygous with a second variant (PMID: 10515411, 28436419). Functional studies show that this variant may disrupt protein function (PMID: 23974870). A different variant at the same position has been determined to be Pathogenic or Likely Pathogenic. Computational prediction algorithms indicate this variant is likely to affect gene or protein function. Given the available evidence, this variant is classified as Likely Pathogenic.

Labcorp Genetics (formerly Invitae), Labcorp
Classification: Pathogenic for Cystic fibrosis. Last evaluated: 2024-01-04. Review status: criteria provided, single submitter. Criteria: Invitae Variant Classification Sherloc (09022015). Collection method: clinical testing. Allele origin: germline. Not counted in ClinVar's aggregate classification.
Comment: This sequence change replaces arginine, which is basic and polar, with lysine, which is basic and polar, at codon 560 of the CFTR protein (p.Arg560Lys). This variant also falls at the last nucleotide of exon 12, which is part of the consensus splice site for this exon. This variant is not present in population databases (gnomAD no frequency). This missense change has been observed in individuals with cystic fibrosis (PMID: 23974870). ClinVar contains an entry for this variant (Variation ID: 7156). An algorithm developed to predict the effect of missense changes on protein structure and function (PolyPhen-2) suggests that this variant is likely to be disruptive. Variants that disrupt the consensus splice site are a relatively common cause of aberrant splicing (PMID: 17576681, 9536098). Algorithms developed to predict the effect of sequence changes on RNA splicing suggest that this variant may disrupt the consensus splice site. This variant disrupts the p.Arg560 amino acid residue in CFTR. Other variant(s) that disrupt this residue have been determined to be pathogenic (PMID: 15371902, 23974870). This suggests that this residue is clinically significant, and that variants that disrupt this residue are likely to be disease-causing. For these reasons, this variant has been classified as Pathogenic.

Baylor Genetics
Classification: Pathogenic for Bronchiectasis with or without elevated sweat chloride 1. Last evaluated: 2023-01-03. Review status: criteria provided, single submitter. Criteria: ACMG Guidelines, 2015. Collection method: clinical testing. Allele origin: unknown. Not counted in ClinVar's aggregate classification.

Ambry Genetics
Classification: Pathogenic for Cystic fibrosis. Last evaluated: 2022-06-16. Review status: criteria provided, single submitter. Criteria: Ambry Variant Classification Scheme 2023. Collection method: clinical testing. Allele origin: germline. Not counted in ClinVar's aggregate classification.
Comment: The p.R560K variant (also known as c.1679G>A), located in coding exon 12 of the CFTR gene, results from a G to A substitution at nucleotide position 1679. The arginine at codon 560 is replaced by lysine, an amino acid with highly similar properties. However, this change occurs in the last base pair of coding exon 12, which makes it likely to have some effect on normal mRNA splicing. This variant has been reported in multiple individuals with an elevated sweat chloride level in The Clinical and Functional TRanslation of CFTR (CFTR2) database (available at CFTR2. Accessed 06/16/2022). This variant is considered to be rare based on population cohorts in the Genome Aggregation Database (gnomAD). This nucleotide position is highly conserved in available vertebrate species. This amino acid position is highly conserved in available vertebrate species. In silico splice site analysis predicts that this alteration will weaken the native splice donor site. In addition, as a missense substitution this is predicted to be deleterious by in silico analysis. Based on the supporting evidence, this alteration is interpreted as a disease-causing mutation.

CFTR-France
Classification: Pathogenic for cystic fibrosis. Last evaluated: 2018-01-29. Review status: criteria provided, single submitter. Criteria: Claustres M et al. (Hum Mutat 2017). Collection method: curation. Allele origin: germline. Affected: yes. Not counted in ClinVar's aggregate classification.

Women's Health and Genetics/Laboratory Corporation of America, LabCorp
Classification: Pathogenic for Cystic fibrosis. Last evaluated: 2017-06-13. Review status: criteria provided, single submitter. Criteria: LabCorp Variant Classification Summary - May 2015. Collection method: clinical testing. Allele origin: germline. Not counted in ClinVar's aggregate classification.
Comment: Variant summary: The CFTR c.1679G>A (p.Arg560Lys) variant involves the alteration of a conserved nucleotide at the end of exon 12 and is located in P-loop containing nucleoside triphosphate hydrolase, AAA+ ATPase and/or ABC transporter 1 domain of the protein (InterPro). 4/5 in silico tools predict damaging outcome for this variant. In addition, 5/5 splice prediction tools predict that this variant weakens the canonical 5' splice donor site. This variant has been reported in several CF patients, majority of patients characterized to be pancreatic insufficient (Ferec_1992, Osika_1999, Scotet_2003, Sosnay_2013) and is absent in 118816 control chromosomes from ExAC. Functional analysis shows that this variant leads to defective chloride channel and/or CFTR processing (Sosnay_2013). Multiple clinical diagnostic laboratories/reputable databases have classified this variant as pathogenic. Other missense changes at the same residue, namely p.Arg560Gly, p.Arg560Ser, and p.Arg560Thr have been reported to associate with CF, indicating Arg560 is a mutational hot-spot. Taken together, this variant is classified as pathogenic.

Counsyl
Classification: Likely pathogenic for Cystic fibrosis. Last evaluated: 2018-04-16. Review status: no assertion criteria provided. Collection method: clinical testing. Allele origin: unknown. Not counted in ClinVar's aggregate classification.

OMIM
Classification: Pathogenic for CYSTIC FIBROSIS. Last evaluated: 1992-06-01. Review status: no assertion criteria provided. Collection method: literature only. Allele origin: germline. Not counted in ClinVar's aggregate classification.

Literature cited by the submitters: PubMed 10515411 (cited by Natera, Inc. and Women's Health and Genetics/Laboratory Corporation of America, LabCorp); PubMed 28436419 (cited by Natera, Inc.); PubMed 23974870 (cited by 4 submitters); PubMed 17576681 (cited by Labcorp Genetics (formerly Invitae), Labcorp); PubMed 9536098 (cited by Labcorp Genetics (formerly Invitae), Labcorp); PubMed 15371902 (cited by Labcorp Genetics (formerly Invitae), Labcorp); PubMed 1284639 (cited by Women's Health and Genetics/Laboratory Corporation of America, LabCorp and OMIM); PubMed 12815607 (cited by Women's Health and Genetics/Laboratory Corporation of America, LabCorp); PubMed 2915972 (cited by OMIM).

NM_000492.4(CFTR):c.1679G>A (p.Arg560Lys)

Genes: CFTR (CF transmembrane conductance regulator; plus strand), LOC111674475 (CFTR intron 11 enhancer; plus strand). Cytogenetic location: 7q31.2.
Variant type: single nucleotide variant.
Coding change: c.1679G>A on transcript NM_000492.4 (MANE Select); coding-DNA position 1679, G replaced by A.
Protein change: p.Arg560Lys; replaces arginine 560 with lysine.
Molecular consequence: missense variant.
Genome position (GRCh38, 1-based): chr7:117,587,833, G>A. VCF-style: chr7-117587833-G-A. GRCh37 (hg19) VCF-style: chr7-117227887-G-A.
Other names: short protein forms R560K.
Identifiers: ClinVar variation 7156 (VCV000007156.15), dbSNP rs80055610, ClinGen allele CA325552.